The following is an entry in ClinVar:

NM_000392.5(ABCC2):c.133C>T (p.Pro45Ser)

Genes: ABCC2 (ATP binding cassette subfamily C member 2; plus strand), LOC108281165 (MED14-independent group 3 enhancer GRCh37_chr10:101544125-101545324; plus strand). Cytogenetic location: 10q24.2.
Variant type: single nucleotide variant.
Coding change: c.133C>T on transcript NM_000392.5 (MANE Select); coding-DNA position 133, C replaced by T.
Protein change: p.Pro45Ser; replaces proline 45 with serine.
Molecular consequence: missense variant.
Genome position (GRCh38, 1-based): chr10:99,784,707, C>T. VCF-style: chr10-99784707-C-T. GRCh37 (hg19) VCF-style: chr10-101544464-C-T.
Other names: p.Pro45Ser; short protein forms P45S.
Identifiers: ClinVar variation 3344491 (VCV003344491.2).

ClinVar aggregate classification (germline): Uncertain significance. Review status: criteria provided, single submitter (1 of 4 stars). 2 submissions from 2 submitters: Uncertain significance (1). 1 of the submissions does not count toward it. Last evaluated 2024-07-09.

Conditions:
ABCC2-related disorder. Also called: ABCC2-related condition.

gnomAD v4.1: 4 of 1,614,152 alleles (0.00025%); highest among the groups gnomAD compares: Admixed American, 0.0017%; no homozygotes.

Submissions (2):

Mayo Clinic Laboratories, Mayo Clinic
Classification: Uncertain significance. Last evaluated: 2024-07-09. Review status: criteria provided, single submitter. Criteria: ACMG Guidelines, 2015. Collection method: clinical testing. Allele origin: germline. Observed: 1 variant allele.

PreventionGenetics, part of Exact Sciences
Classification: Uncertain significance for ABCC2-related condition. Last evaluated: 2024-07-13. Review status: no assertion criteria provided. Collection method: clinical testing. Allele origin: germline. Not counted in ClinVar's aggregate classification.
Comment: The ABCC2 c.133C>T variant is predicted to result in the amino acid substitution p.Pro45Ser. To our knowledge, this variant has not been reported in the literature. This variant is reported in 0.0033% of alleles in individuals of South Asian descent in gnomAD. At this time, the clinical significance of this variant is uncertain due to the absence of conclusive functional and genetic evidence.